The following is an entry in ClinVar:

NM_018706.7(DHTKD1):c.458T>G (p.Leu153Arg)

Gene: DHTKD1 (dehydrogenase E1 and transketolase domain containing 1; plus strand). Cytogenetic location: 10p14.
Variant type: single nucleotide variant.
Coding change: c.458T>G on transcript NM_018706.7 (MANE Select); coding-DNA position 458, T replaced by G.
Protein change: p.Leu153Arg; replaces leucine 153 with arginine.
Molecular consequence: missense variant.
Genome position (GRCh38, 1-based): chr10:12,084,687, T>G. VCF-style: chr10-12084687-T-G. GRCh37 (hg19) VCF-style: chr10-12126686-T-G.
Other names: short protein forms L153R.
Identifiers: ClinVar variation 3019270 (VCV003019270.3), dbSNP rs1253117210, ClinGen allele CA376016654.
Genomic context (GRCh38, chr10:12,084,687, plus strand): 5'-AAACCTCCCAACTTCAGAGCCAGGATGAGAAAGACTGGTTTGCCAAGCGGTTTGAGGAAC[T>G]GCAAAAGGAGACGTTTACCACAGAAGAGCGAAAACATCTGTCGAAACTAATGCTGGAATC-3'
Protein context (NP_061176.4, residues 143-163): KDWFAKRFEE[Leu153Arg]QKETFTTEER

ClinVar aggregate classification (germline): Uncertain significance (1 of 4 stars; one submission).

Conditions:
2-aminoadipic 2-oxoadipic aciduria (AAKAD). Also called: Aminoadipic aciduria; ALPHA-AMINOADIPIC AND ALPHA-KETOADIPIC ACIDURIA. Identifiers: Orphanet 79154, MedGen C1859817, MONDO:0008774, OMIM 204750.

Allele frequency attached by ClinVar (database versions not stated): gnomAD exomes below 0.00001.

Submission:

Labcorp Genetics (formerly Invitae), Labcorp
Classification: Uncertain significance for 2-aminoadipic 2-oxoadipic aciduria. Last evaluated: 2023-08-14. Review status: criteria provided, single submitter. Criteria: Invitae Variant Classification Sherloc (09022015). Collection method: clinical testing. Allele origin: germline.
Comment: Advanced modeling of protein sequence and biophysical properties (such as structural, functional, and spatial information, amino acid conservation, physicochemical variation, residue mobility, and thermodynamic stability) performed at Invitae indicates that this missense variant is not expected to disrupt DHTKD1 protein function. In summary, the available evidence is currently insufficient to determine the role of this variant in disease. Therefore, it has been classified as a Variant of Uncertain Significance. This variant has not been reported in the literature in individuals affected with DHTKD1-related conditions. This variant is present in population databases (no rsID available, gnomAD 0.0009%). This sequence change replaces leucine, which is neutral and non-polar, with arginine, which is basic and polar, at codon 153 of the DHTKD1 protein (p.Leu153Arg).